The following is an entry in ClinVar:

NM_001020658.2(PUM1):c.3511A>G (p.Met1171Val)

Gene: PUM1 (pumilio RNA binding family member 1; minus strand). Cytogenetic location: 1p35.2.
Variant type: single nucleotide variant.
Coding change: c.3511A>G on transcript NM_001020658.2 (MANE Select); coding-DNA position 3511, A replaced by G.
Protein change: p.Met1171Val; replaces methionine 1171 with valine.
Molecular consequence: missense variant.
Genome position (GRCh38, 1-based): chr1:30,933,267, T>C on the plus strand (A>G on the coding strand, the complement: PUM1 is on the minus strand). VCF-style: chr1-30933267-T-C. GRCh37 (hg19) VCF-style: chr1-31406114-T-C.
Other names: c.3505A>G, p.Met1169Val (NM_014676.3); short protein forms M1171V, M1169V.
Identifiers: ClinVar variation 3664000 (VCV003664000.2).

ClinVar aggregate classification (germline): Uncertain significance (1 of 4 stars; one submission).

Submission:

Labcorp Genetics (formerly Invitae), Labcorp
Classification: Uncertain significance. Last evaluated: 2024-08-30. Review status: criteria provided, single submitter. Criteria: Invitae Variant Classification Sherloc (09022015). Collection method: clinical testing. Allele origin: germline.
Comment: This sequence change replaces methionine, which is neutral and non-polar, with valine, which is neutral and non-polar, at codon 1171 of the PUM1 protein (p.Met1171Val). This variant is present in population databases (rs746229368, gnomAD 0.005%). This variant has not been reported in the literature in individuals affected with PUM1-related conditions. An algorithm developed to predict the effect of missense changes on protein structure and function (PolyPhen-2) suggests that this variant is likely to be tolerated. In summary, the available evidence is currently insufficient to determine the role of this variant in disease. Therefore, it has been classified as a Variant of Uncertain Significance.